The following is an entry in ClinVar:

NM_001606.5(ABCA2):c.2923+3G>A

Gene: ABCA2 (ATP binding cassette subfamily A member 2; minus strand). Cytogenetic location: 9q34.3.
Variant type: single nucleotide variant.
Coding change: c.2923+3G>A on transcript NM_001606.5 (MANE Select); 3 bases into the intron after coding-DNA position 2923, G replaced by A.
Molecular consequence: intron variant.
Genome position (GRCh38, 1-based): chr9:137,016,571, C>T on the plus strand (G>A on the coding strand, the complement: ABCA2 is on the minus strand). VCF-style: chr9-137016571-C-T. GRCh37 (hg19) VCF-style: chr9-139911023-C-T.
Other names: c.3013+3G>A (NM_212533.3); c.2920+3G>A (NM_001411042.1).
Identifiers: ClinVar variation 2579081 (VCV002579081.26), dbSNP rs200431748, ClinGen allele CA5354953.
Genomic context (GRCh38, chr9:137,016,571, plus strand): 5'-CAAGGCCACCCAGGACTCTGAACCCAGCGCCCACCCCAGCCACCATTCTGATGCCAGCCT[C>T]ACCAAAGCGCCGGCTCTCCATGGCACAGGCCTGGTCCTCCTCCATGACACTGAGGCGGGG-3'

ClinVar aggregate classification (germline): Likely benign. Review status: criteria provided, multiple submitters, no conflicts (2 of 4 stars). 2 submissions from 2 submitters: Likely benign (2). Last evaluated 2024-10-25.

Allele frequency attached by ClinVar (database versions not stated): TOPMed 0.00048; ExAC 0.00052; gnomAD 0.00055; ESP Exome Variant Server 0.00072; gnomAD exomes 0.00080.
gnomAD v4.1: 1,239 of 1,612,252 alleles (0.077%); highest among the groups gnomAD compares: Non-Finnish European, 0.097%; no homozygotes.

Submissions (2):

Blueprint Genetics
Classification: Likely benign. Last evaluated: 2024-10-25. Review status: criteria provided, single submitter. Criteria: ACMG Guidelines, 2015. Collection method: clinical testing. Allele origin: germline.

CeGaT Center for Human Genetics Tuebingen
Classification: Likely benign. Last evaluated: 2023-07-01. Review status: criteria provided, single submitter. Criteria: CeGaT Center For Human Genetics Tuebingen Variant Classification Criteria Version 2. Collection method: clinical testing. Allele origin: germline. Affected: yes. Observed: 3 variant alleles.
Comment: ABCA2: BP4